The following is an entry in ClinVar:

NM_020911.2(PLXNA4):c.3930C>T (p.Ala1310=)

Gene: PLXNA4 (plexin A4; minus strand). Cytogenetic location: 7q32.3.
Variant type: single nucleotide variant.
Coding change: c.3930C>T on transcript NM_020911.2 (MANE Select); coding-DNA position 3930, C replaced by T.
Protein change: p.Ala1310=; no amino-acid change (alanine 1310 retained).
Molecular consequence: synonymous variant.
Genome position (GRCh38, 1-based): chr7:132,174,865, G>A on the plus strand (C>T on the coding strand, the complement: PLXNA4 is on the minus strand). VCF-style: chr7-132174865-G-A. GRCh37 (hg19) VCF-style: chr7-131859624-G-A.
Other names: c.3930C>T, p.Ala1310= (NM_001393897.1).
Identifiers: ClinVar variation 3037107 (VCV003037107.2), dbSNP rs201073381, ClinGen allele CA4489328.

ClinVar aggregate classification (germline): Likely benign (0 of 4 stars; one submission).

Conditions:
PLXNA4-related disorder. Also called: PLXNA4-related condition.

Allele frequency attached by ClinVar (database versions not stated): ExAC 0.00002; gnomAD exomes 0.00003; gnomAD 0.00006; TOPMed 0.00012; 1000 Genomes Project 30x 0.00016; 1000 Genomes Project 0.00020.
gnomAD v4.1: 46 of 1,614,176 alleles (0.0028%); highest among the groups gnomAD compares: Admixed American, 0.017%; no homozygotes.

Submission:

PreventionGenetics, part of Exact Sciences
Classification: Likely benign for PLXNA4-related condition. Last evaluated: 2021-10-28. Review status: no assertion criteria provided. Collection method: clinical testing. Allele origin: germline.
Comment: This variant is classified as likely benign based on ACMG/AMP sequence variant interpretation guidelines (Richards et al. 2015 PMID: 25741868, with internal and published modifications).